The following is an entry in ClinVar:

ClinVar aggregate classification (germline): Uncertain significance (1 of 4 stars; one submission).

Allele frequency attached by ClinVar (database versions not stated): gnomAD exomes below 0.00001; TOPMed below 0.00001.
gnomAD v4.1: 5 of 1,614,234 alleles (0.00031%); highest among the groups gnomAD compares: East Asian, 0.0022%; no homozygotes.

Submission:

GeneDx
Classification: Uncertain significance. Last evaluated: 2022-07-28. Review status: criteria provided, single submitter. Criteria: GeneDx Variant Classification Process June 2021. Collection method: clinical testing. Allele origin: germline. Affected: yes.
Comment: Not observed at significant frequency in large population cohorts (gnomAD); In silico analysis supports that this missense variant does not alter protein structure/function; Has not been previously published as pathogenic or benign to our knowledge

NM_000336.3(SCNN1B):c.1340C>G (p.Ser447Cys)

Gene: SCNN1B (sodium channel epithelial 1 subunit beta; plus strand). Cytogenetic location: 16p12.2.
Variant type: single nucleotide variant.
Coding change: c.1340C>G on transcript NM_000336.3 (MANE Select); coding-DNA position 1340, C replaced by G.
Protein change: p.Ser447Cys; replaces serine 447 with cysteine.
Molecular consequence: missense variant.
Genome position (GRCh38, 1-based): chr16:23,377,234, C>G. VCF-style: chr16-23377234-C-G. GRCh37 (hg19) VCF-style: chr16-23388555-C-G.
Other names: c.1232C>G, p.Ser411Cys (NM_001410900.1); short protein forms S411C, S447C.
Identifiers: ClinVar variation 2413023 (VCV002413023.3), dbSNP rs974199359, ClinGen allele CA279487780.